The following is an entry in ClinVar:

ClinVar aggregate classification (germline): Uncertain significance (1 of 4 stars; one submission).

Conditions:
Hereditary cancer-predisposing syndrome. Also called: Tumor predisposition; Hereditary Cancer Syndrome; Hereditary neoplastic syndrome; Neoplastic Syndromes, Hereditary. Identifiers: Orphanet 140162, MedGen C0027672, MeSH D009386, MONDO:0015356.

gnomAD v4.1: 1 of 1,612,024 alleles (0.000062%); no homozygotes.

Submission:

Ambry Genetics
Classification: Uncertain significance for Hereditary cancer-predisposing syndrome. Last evaluated: 2025-09-24. Review status: criteria provided, single submitter. Criteria: Ambry Variant Classification Scheme 2023. Collection method: clinical testing. Allele origin: germline.
Comment: The p.G535D variant (also known as c.1604G>A), located in coding exon 12 of the SDHA gene, results from a G to A substitution at nucleotide position 1604. The glycine at codon 535 is replaced by aspartic acid, an amino acid with similar properties. This amino acid position is highly conserved in available vertebrate species. In addition, this alteration is predicted to be deleterious by in silico analysis. Based on the available evidence, the clinical significance of this variant remains unclear.

NM_004168.4(SDHA):c.1604G>A (p.Gly535Asp)

Gene: SDHA (succinate dehydrogenase complex flavoprotein subunit A; plus strand). Cytogenetic location: 5p15.33.
Variant type: single nucleotide variant.
Coding change: c.1604G>A on transcript NM_004168.4 (MANE Select); coding-DNA position 1604, G replaced by A.
Protein change: p.Gly535Asp; replaces glycine 535 with aspartic acid.
Molecular consequence: missense variant. On other transcripts: intron variant (1).
Genome position (GRCh38, 1-based): chr5:251,044, G>A. VCF-style: chr5-251044-G-A. GRCh37 (hg19) VCF-style: chr5-251159-G-A.
Other names: c.1460G>A, p.Gly487Asp (NM_001294332.2); c.1552-3349G>A (NM_001330758.2); short protein forms G535D, G487D.
Identifiers: ClinVar variation 4546459 (VCV004546459.1).